The following is an entry in ClinVar:

NM_000540.3(RYR1):c.9701A>G (p.Asn3234Ser)

Gene: RYR1 (ryanodine receptor 1; plus strand). Cytogenetic location: 19q13.2.
Variant type: single nucleotide variant.
Coding change: c.9701A>G on transcript NM_000540.3 (MANE Select); coding-DNA position 9701, A replaced by G.
Protein change: p.Asn3234Ser; replaces asparagine 3234 with serine.
Molecular consequence: missense variant.
Genome position (GRCh38, 1-based): chr19:38,517,374, A>G. VCF-style: chr19-38517374-A-G. GRCh37 (hg19) VCF-style: chr19-39008014-A-G.
Other names: c.9701A>G, p.Asn3234Ser (NM_001042723.2); short protein forms N3234S.
Identifiers: ClinVar variation 657802 (VCV000657802.13), dbSNP rs539829239, ClinGen allele CA074060.

ClinVar aggregate classification (germline): Conflicting classifications of pathogenicity. Review status: criteria provided, conflicting classifications (1 of 4 stars). 3 submissions from 3 submitters: Uncertain significance (2); Likely benign (1). Last evaluated 2026-03-13.

Conditions:
RYR1-related disorder. Also called: RYR1-related disorders; RYR1-related condition. Identifiers: MedGen CN239331.
Inborn genetic diseases. Identifiers: MedGen C0950123, MeSH D030342.

Allele frequency attached by ClinVar (database versions not stated): gnomAD 0.00005; TOPMed 0.00005; 1000 Genomes Project 30x 0.00016; 1000 Genomes Project 0.00020.
gnomAD v4.1: 27 of 1,613,790 alleles (0.0017%); highest among the groups gnomAD compares: East Asian, 0.031%; no homozygotes.

Submissions (3):

PreventionGenetics, part of Exact Sciences
Classification: Uncertain significance for RYR1-related condition. Last evaluated: 2026-03-13. Review status: criteria provided, single submitter. Criteria: ACMG Guidelines, 2015. Collection method: clinical testing. Allele origin: germline.
Comment: The RYR1 c.9701A>G variant is predicted to result in the amino acid substitution p.Asn3234Ser. To our knowledge, this variant has not been reported in the literature. This variant is reported in 0.10% of alleles in individuals of East Asian descent in gnomAD, which may be too frequent for an unreported disease-causing variant. Although we suspect that this variant may be benign, at this time, the clinical significance of this variant is uncertain due to the absence of conclusive functional and genetic evidence.

Labcorp Genetics (formerly Invitae), Labcorp
Classification: Likely benign for RYR1-related disorder. Last evaluated: 2025-10-01. Review status: criteria provided, single submitter. Criteria: Invitae Variant Classification Sherloc (09022015). Collection method: clinical testing. Allele origin: germline.

Ambry Genetics
Classification: Uncertain significance for Inborn genetic diseases. Last evaluated: 2024-03-20. Review status: criteria provided, single submitter. Criteria: Ambry Variant Classification Scheme 2023. Collection method: clinical testing. Allele origin: germline.